The following is an entry in ClinVar:

NM_005560.6(LAMA5):c.10419G>A (p.Pro3473=)

Gene: LAMA5 (laminin subunit alpha 5; minus strand). Cytogenetic location: 20q13.33.
Variant type: single nucleotide variant.
Coding change: c.10419G>A on transcript NM_005560.6 (MANE Select); coding-DNA position 10419, G replaced by A.
Protein change: p.Pro3473=; no amino-acid change (proline 3473 retained).
Molecular consequence: synonymous variant.
Genome position (GRCh38, 1-based): chr20:62,310,692, C>T on the plus strand (G>A on the coding strand, the complement: LAMA5 is on the minus strand). VCF-style: chr20-62310692-C-T. GRCh37 (hg19) VCF-style: chr20-60885748-C-T.
Other names: c.10419G>A (NM_005560.4).
Identifiers: ClinVar variation 2149132 (VCV002149132.6), dbSNP rs148841023, ClinGen allele CA9939804.

ClinVar aggregate classification (germline): Likely benign. Review status: criteria provided, single submitter (1 of 4 stars). 2 submissions from 2 submitters: Likely benign (1). 1 of the submissions does not count toward it. Last evaluated 2025-03-18.

Conditions:
LAMA5-related disorder. Also called: LAMA5-Related Disorders; LAMA5-related condition.

Allele frequency attached by ClinVar (database versions not stated): ExAC 0.00005; gnomAD 0.00005; TOPMed 0.00005; ESP Exome Variant Server 0.00008.
gnomAD v4.1: 69 of 1,602,128 alleles (0.0043%); highest among the groups gnomAD compares: African/African-American, 0.013%; no homozygotes.

Submissions (2):

Labcorp Genetics (formerly Invitae), Labcorp
Classification: Likely benign. Last evaluated: 2025-03-18. Review status: criteria provided, single submitter. Criteria: Invitae Variant Classification Sherloc (09022015). Collection method: clinical testing. Allele origin: germline.

PreventionGenetics, part of Exact Sciences
Classification: Likely benign for LAMA5-related condition. Last evaluated: 2023-04-05. Review status: no assertion criteria provided. Collection method: clinical testing. Allele origin: germline. Not counted in ClinVar's aggregate classification.
Comment: This variant is classified as likely benign based on ACMG/AMP sequence variant interpretation guidelines (Richards et al. 2015 PMID: 25741868, with internal and published modifications).